The following is an entry in ClinVar:

ClinVar aggregate classification (germline): Uncertain significance (1 of 4 stars; one submission).

Conditions:
Charcot-Marie-Tooth disease type 2. Also called: Charcot-Marie-Tooth type 2. Identifiers: Orphanet 64746, MedGen C0270914, MONDO:0018993.

Submission:

Labcorp Genetics (formerly Invitae), Labcorp
Classification: Uncertain significance for Charcot-Marie-Tooth disease type 2. Last evaluated: 2024-02-26. Review status: criteria provided, single submitter. Criteria: Invitae Variant Classification Sherloc (09022015). Collection method: clinical testing. Allele origin: germline.
Comment: This sequence change replaces glutamine, which is neutral and polar, with histidine, which is basic and polar, at codon 494 of the MFN2 protein (p.Gln494His). This variant is not present in population databases (gnomAD no frequency). This variant has not been reported in the literature in individuals affected with MFN2-related conditions. Advanced modeling of protein sequence and biophysical properties (such as structural, functional, and spatial information, amino acid conservation, physicochemical variation, residue mobility, and thermodynamic stability) performed at Invitae indicates that this missense variant is expected to disrupt MFN2 protein function with a positive predictive value of 95%. In summary, the available evidence is currently insufficient to determine the role of this variant in disease. Therefore, it has been classified as a Variant of Uncertain Significance.

NM_014874.4(MFN2):c.1482G>C (p.Gln494His)

Gene: MFN2 (mitofusin 2; plus strand). Cytogenetic location: 1p36.22.
Variant type: single nucleotide variant.
Coding change: c.1482G>C on transcript NM_014874.4 (MANE Select); coding-DNA position 1482, G replaced by C.
Protein change: p.Gln494His; replaces glutamine 494 with histidine.
Molecular consequence: missense variant.
Genome position (GRCh38, 1-based): chr1:12,004,914, G>C. VCF-style: chr1-12004914-G-C. GRCh37 (hg19) VCF-style: chr1-12064971-G-C.
Other names: c.1482G>C, p.Gln494His (NM_001127660.2); short protein forms Q494H.
Identifiers: ClinVar variation 3643375 (VCV003643375.2).